The following is an entry in ClinVar:

NM_001303256.3(MORC2):c.1828C>A (p.Pro610Thr)

Gene: MORC2 (MORC family CW-type zinc finger 2; minus strand). Cytogenetic location: 22q12.2.
Variant type: single nucleotide variant.
Coding change: c.1828C>A on transcript NM_001303256.3 (MANE Select); coding-DNA position 1828, C replaced by A.
Protein change: p.Pro610Thr; replaces proline 610 with threonine.
Molecular consequence: missense variant.
Genome position (GRCh38, 1-based): chr22:30,935,146, G>T on the plus strand (C>A on the coding strand, the complement: MORC2 is on the minus strand). VCF-style: chr22-30935146-G-T. GRCh37 (hg19) VCF-style: chr22-31331133-G-T.
Other names: c.1828C>A, p.Pro610Thr (NM_001303257.2); c.1642C>A, p.Pro548Thr (NM_014941.3); short protein forms P548T, P610T.
Identifiers: ClinVar variation 4531083 (VCV004531083.1).

ClinVar aggregate classification (germline): Uncertain significance (1 of 4 stars; one submission).

gnomAD v4.1: 1 of 1,612,982 alleles (0.000062%); no homozygotes.

Submission:

GeneDx
Classification: Uncertain significance. Last evaluated: 2025-05-21. Review status: criteria provided, single submitter. Criteria: GeneDx Variant Classification Process June 2021. Collection method: clinical testing. Allele origin: germline. Affected: yes.
Comment: Not observed at significant frequency in large population cohorts (gnomAD); In silico analysis suggests that this missense variant does not alter protein structure/function; Has not been previously published as pathogenic or benign to our knowledge